The following is an entry in ClinVar:

ClinVar aggregate classification (germline): Uncertain significance. Review status: criteria provided, multiple submitters, no conflicts (2 of 4 stars). 2 submissions from 2 submitters: Uncertain significance (2). Last evaluated 2023-03-29.

Allele frequency attached by ClinVar (database versions not stated): ExAC 0.00001; gnomAD exomes 0.00001; TOPMed 0.00002.
gnomAD v4.1: 4 of 1,614,136 alleles (0.00025%); highest among the groups gnomAD compares: Non-Finnish European, 0.00034%; no homozygotes.

Submissions (2):

Blueprint Genetics
Classification: Uncertain significance. Last evaluated: 2023-03-29. Review status: criteria provided, single submitter. Criteria: ACMG Guidelines, 2015. Collection method: clinical testing. Allele origin: germline.

Labcorp Genetics (formerly Invitae), Labcorp
Classification: Uncertain significance. Last evaluated: 2022-08-26. Review status: criteria provided, single submitter. Criteria: Invitae Variant Classification Sherloc (09022015). Collection method: clinical testing. Allele origin: germline.
Comment: In summary, the available evidence is currently insufficient to determine the role of this variant in disease. Therefore, it has been classified as a Variant of Uncertain Significance. Advanced modeling of protein sequence and biophysical properties (such as structural, functional, and spatial information, amino acid conservation, physicochemical variation, residue mobility, and thermodynamic stability) performed at Invitae indicates that this missense variant is not expected to disrupt CNGA3 protein function. This variant has not been reported in the literature in individuals affected with CNGA3-related conditions. This variant is present in population databases (rs752224900, gnomAD 0.0009%). This sequence change replaces lysine, which is basic and polar, with asparagine, which is neutral and polar, at codon 670 of the CNGA3 protein (p.Lys670Asn).

NM_001298.3(CNGA3):c.2010G>C (p.Lys670Asn)

Gene: CNGA3 (cyclic nucleotide gated channel subunit alpha 3; plus strand). Cytogenetic location: 2q11.2.
Variant type: single nucleotide variant.
Coding change: c.2010G>C on transcript NM_001298.3 (MANE Select); coding-DNA position 2010, G replaced by C.
Protein change: p.Lys670Asn; replaces lysine 670 with asparagine.
Molecular consequence: missense variant.
Genome position (GRCh38, 1-based): chr2:98,397,180, G>C. VCF-style: chr2-98397180-G-C. GRCh37 (hg19) VCF-style: chr2-99013643-G-C.
Other names: c.1956G>C, p.Lys652Asn (NM_001079878.2); short protein forms K670N, K652N.
Identifiers: ClinVar variation 2068382 (VCV002068382.5), dbSNP rs752224900, ClinGen allele CA1794132.